The following is an entry in ClinVar:

ClinVar aggregate classification (germline): Conflicting classifications of pathogenicity. Review status: criteria provided, conflicting classifications (1 of 4 stars). 12 submissions from 11 submitters: Uncertain significance (2); Benign (2); Likely benign (6). 2 of the submissions do not count toward it. Last evaluated 2026-01-26.

Conditions:
Cardiovascular phenotype. Identifiers: MedGen CN230736.
Cardiomyopathy (CMYO). Also called: Cardiomyopathies. Identifiers: Orphanet 167848, MedGen C0878544, MONDO:0004994, HP:0001638. Inheritance: Various modes of inheritance.
Catecholaminergic polymorphic ventricular tachycardia 1. Also called: VENTRICULAR TACHYCARDIA, CATECHOLAMINERGIC POLYMORPHIC, 1, WITH OR WITHOUT ATRIAL DYSFUNCTION AND/OR DILATED CARDIOMYOPATHY; VENTRICULAR TACHYCARDIA, STRESS-INDUCED POLYMORPHIC 1; RYR2-Related Catecholaminergic Polymorphic Ventricular Tachycardia. Identifiers: Orphanet 3286, MedGen C1631597, MONDO:0011484, OMIM 604772.
Arrhythmogenic right ventricular dysplasia 2. Identifiers: MedGen C1832931.

Allele frequency attached by ClinVar (database versions not stated): gnomAD exomes 0.00015 and 0.00029; 1000 Genomes Project 30x 0.00016; gnomAD 0.00016 and 0.00019; TOPMed 0.00024; ExAC 0.00035.
gnomAD v4.1: 235 of 1,613,046 alleles (0.015%); highest among the groups gnomAD compares: East Asian, 0.45%; 1 homozygote.

Submissions (12):

Labcorp Genetics (formerly Invitae), Labcorp
Classification: Likely benign for Catecholaminergic polymorphic ventricular tachycardia 1. Last evaluated: 2026-01-26. Review status: criteria provided, single submitter. Criteria: Invitae Variant Classification Sherloc (09022015). Collection method: clinical testing. Allele origin: germline.

Blueprint Genetics
Classification: Likely benign. Last evaluated: 2024-08-23. Review status: criteria provided, single submitter. Criteria: ACMG Guidelines, 2015. Collection method: clinical testing. Allele origin: germline.

Women's Health and Genetics/Laboratory Corporation of America, LabCorp
Classification: Likely benign. Last evaluated: 2023-05-15. Review status: criteria provided, single submitter. Criteria: LabCorp Variant Classification Summary - May 2015. Collection method: clinical testing. Allele origin: germline.

Mendelics
Classification: Benign for Catecholaminergic polymorphic ventricular tachycardia 1. Last evaluated: 2019-05-28. Review status: criteria provided, single submitter. Criteria: Mendelics Assertion Criteria 2017. Collection method: clinical testing. Allele origin: unknown.

GeneDx
Classification: Likely benign. Last evaluated: 2018-11-20. Review status: criteria provided, single submitter. Criteria: GeneDx Variant Classification Process June 2021. Collection method: clinical testing. Allele origin: germline. Affected: yes.
Comment: This variant is associated with the following publications: (PMID: 26498160, 23595086, 27452199, 26332594, 27756708, 27538377)

Color Diagnostics, LLC DBA Color Health
Classification: Likely benign for Cardiomyopathy. Last evaluated: 2018-05-29. Review status: criteria provided, single submitter. Criteria: ACMG Guidelines, 2015. Collection method: clinical testing. Allele origin: germline.

Illumina Laboratory Services, Illumina
Classification: Uncertain significance for Catecholaminergic polymorphic ventricular tachycardia 1. Last evaluated: 2017-04-27. Review status: criteria provided, single submitter. Criteria: ICSL Variant Classification Criteria 13 December 2019. Collection method: clinical testing. Allele origin: germline.
Comment: This variant was observed as part of a predisposition screen in an ostensibly healthy population. A literature search was performed for the gene, cDNA change, and amino acid change (where applicable). Publications were found based on this search. However, the evidence from the literature, in combination with allele frequency data from public databases where available, was not sufficient to rule this variant in or out of causing disease. Therefore, this variant is classified as a variant of unknown significance.

Illumina Laboratory Services, Illumina
Classification: Benign for Catecholaminergic polymorphic ventricular tachycardia 1. Last evaluated: 2017-04-27. Review status: criteria provided, single submitter. Criteria: ICSL Variant Classification Criteria 13 December 2019. Collection method: clinical testing. Allele origin: germline.
Comment: This variant was observed as part of a predisposition screen in an ostensibly healthy population. A literature search was performed for the gene, cDNA change, and amino acid change (where applicable). Publications were found based on this search. The evidence from the literature, in combination with allele frequency data from public databases where available, was sufficient to rule this variant out of causing disease. Therefore, this variant is classified as benign.

Ambry Genetics
Classification: Likely benign for Cardiovascular phenotype. Last evaluated: 2016-08-11. Review status: criteria provided, single submitter. Criteria: Ambry Variant Classification Scheme 2023. Collection method: clinical testing. Allele origin: germline.

Soonchunhyang University Bucheon Hospital, Soonchunhyang University Medical Center
Classification: Uncertain significance for Catecholaminergic polymorphic ventricular tachycardia 1. Last evaluated: 2016-03-18. Review status: criteria provided, single submitter. Criteria: ACMG Guidelines, 2015. Collection method: reference population. Allele origin: germline. Observed: 3 variant alleles.

Clinical Genetics DNA and cytogenetics Diagnostics Lab, Erasmus MC, Erasmus Medical Center
Classification: Likely benign. Review status: no assertion criteria provided. Collection method: clinical testing. Allele origin: germline. Affected: yes. Study: VKGL Data-share Consensus. Not counted in ClinVar's aggregate classification.

Diagnostic Laboratory, Department of Genetics, University Medical Center Groningen
Classification: Likely benign. Review status: no assertion criteria provided. Collection method: clinical testing. Allele origin: germline. Affected: yes. Study: VKGL Data-share Consensus. Not counted in ClinVar's aggregate classification.

Literature cited by the submitters: PubMed 27538377 (cited by Illumina Laboratory Services, Illumina); PubMed 23595086 (cited by 3 submitters); PubMed 26332594 (cited by Illumina Laboratory Services, Illumina and Ambry Genetics); PubMed 27756708 (cited by Illumina Laboratory Services, Illumina); PubMed 26498160 (cited by Ambry Genetics).

NM_001035.3(RYR2):c.4652A>G (p.Asn1551Ser)

Gene: RYR2 (ryanodine receptor 2; plus strand). Cytogenetic location: 1q43.
Variant type: single nucleotide variant.
Coding change: c.4652A>G on transcript NM_001035.3 (MANE Select); coding-DNA position 4652, A replaced by G.
Protein change: p.Asn1551Ser; replaces asparagine 1551 with serine.
Molecular consequence: missense variant.
Genome position (GRCh38, 1-based): chr1:237,602,080, A>G. VCF-style: chr1-237602080-A-G. GRCh37 (hg19) VCF-style: chr1-237765380-A-G.
Other names: p.N1551S:AAT>AGT; c.4652A>G, p.Asn1551Ser (LRG_402t1); short protein forms N1551S.
Identifiers: ClinVar variation 201172 (VCV000201172.29), dbSNP rs185237690, ClinGen allele CA009626.